The following is an entry in ClinVar:

NM_014363.6(SACS):c.8621_8624del (p.Ser2874fs)

Gene: SACS (sacsin molecular chaperone; minus strand). Cytogenetic location: 13q12.12.
Variant type: Microsatellite.
Coding change: c.8621_8624del on transcript NM_014363.6 (MANE Select); coding-DNA positions 8621 to 8624, 4 bases deleted (CTTT; older notation c.8621_8624delCTTT).
Protein change: p.Ser2874fs; shifts the reading frame from serine 2874.
Molecular consequence: frameshift variant.
Genome position (GRCh38, 1-based): chr13:23,335,252-23,335,255, AAAG deleted on the plus strand (CTTT on the coding strand, the reverse complement: SACS is on the minus strand); deleting any 4 consecutive bases within chr13:23,335,252-23,335,260 gives the same sequence; the c. name uses the placement nearest the transcript's 3' end. VCF-style (leftmost placement, unchanged base first): chr13-23335251-CAAAG-C. GRCh37 (hg19) VCF-style: chr13-23909390-CAAAG-C.
Other names: c.8180_8183del, p.Ser2727fs (NM_001278055.2); c.8621_8624delCTTT (NM_014363.5); short protein forms S2727fs, S2874fs.
Identifiers: ClinVar variation 371196 (VCV000371196.12), dbSNP rs753012964, ClinGen allele CA6910739.

ClinVar aggregate classification (germline): Pathogenic/Likely pathogenic. Review status: criteria provided, multiple submitters, no conflicts (2 of 4 stars). 4 submissions from 4 submitters: Pathogenic (2); Likely pathogenic (1). 1 of the submissions does not count toward it. Last evaluated 2025-06-05.

Conditions:
Spastic paraplegia. Identifiers: MedGen C0037772, HP:0001258.
Charlevoix-Saguenay spastic ataxia (SACS). Also called: Spastic ataxia of Charlevoix-Saguenay; SPASTIC ATAXIA 6, AUTOSOMAL RECESSIVE; AUTOSOMAL RECESSIVE SPASTIC ATAXIA OF CHARLEVOIX-SAGUENAY. Identifiers: Orphanet 98, MedGen C1849140, MONDO:0010041, OMIM 270550.

Submissions (4):

Natera, Inc.
Classification: Likely pathogenic for Charlevoix-Saguenay type spastic ataxia. Last evaluated: 2025-06-05. Review status: criteria provided, single submitter. Criteria: Natera Variant Classification Schema (03/2026). Collection method: clinical testing. Allele origin: germline.
Comment: The c.8621_8624delCTTT variant in SACS is a frameshift variant predicted to shift the reading frame beginning at codon 2874 and leads to a stop codon 9 codons downstream. This variant is expected to result in nonsense mediated decay, truncation, or a dysfunctional protein product. This variant is rare in the general population with a frequency below the threshold expected for the associated phenotype(s). This variant has been observed in one or more individuals affected with the associated recessive disease, as either homozygous or compound heterozygous with a second variant (PMID: 36247768). Given the available evidence, this variant is classified as Likely Pathogenic.

Mendelics
Classification: Pathogenic for Charlevoix-Saguenay spastic ataxia. Last evaluated: 2022-05-04. Review status: criteria provided, single submitter. Criteria: Mendelics Assertion Criteria 2019. Collection method: clinical testing. Allele origin: germline.

Labcorp Genetics (formerly Invitae), Labcorp
Classification: Pathogenic for Spastic paraplegia. Last evaluated: 2021-05-17. Review status: criteria provided, single submitter. Criteria: Invitae Variant Classification Sherloc (09022015). Collection method: clinical testing. Allele origin: germline.
Comment: This variant disrupts the C-terminus of the SACS protein. Other variant(s) that disrupt this region (p.Tyr4538*) have been determined to be pathogenic (Invitae). This suggests that variants that disrupt this region of the protein are likely to be causative of disease. This variant has not been reported in the literature in individuals with SACS-related conditions. The frequency data for this variant in the population databases is considered unreliable, as metrics indicate poor data quality at this position in the ExAC database. This sequence change creates a premature translational stop signal (p.Ser2874Trpfs*9) in the SACS gene. While this is not anticipated to result in nonsense mediated decay, it is expected to disrupt the last 1706 amino acid(s) of the SACS protein. For these reasons, this variant has been classified as Pathogenic.

Counsyl
Classification: Likely pathogenic for Charlevoix-Saguenay spastic ataxia. Last evaluated: 2016-07-22. Review status: no assertion criteria provided. Collection method: clinical testing. Allele origin: unknown. Not counted in ClinVar's aggregate classification.

Literature cited by the submitters: PubMed 36247768 (cited by Natera, Inc.).